The following is an entry in ClinVar:

ClinVar aggregate classification (germline): Uncertain significance. Review status: criteria provided, multiple submitters, no conflicts (2 of 4 stars). 3 submissions from 3 submitters: Uncertain significance (3). Last evaluated 2024-09-27.

Conditions:
Inborn genetic diseases. Identifiers: MedGen C0950123, MeSH D030342.

Allele frequency attached by ClinVar (database versions not stated): gnomAD 0.00001.
gnomAD v4.1: 2 of 1,613,614 alleles (0.00012%); highest among the groups gnomAD compares: Middle Eastern, 0.017%; no homozygotes.

Submissions (3):

Blueprint Genetics
Classification: Uncertain significance. Last evaluated: 2024-09-27. Review status: criteria provided, single submitter. Criteria: ACMG Guidelines, 2015. Collection method: clinical testing. Allele origin: germline.

Ambry Genetics
Classification: Uncertain significance for Inborn genetic diseases. Last evaluated: 2024-06-03. Review status: criteria provided, single submitter. Criteria: Ambry Variant Classification Scheme 2023. Collection method: clinical testing. Allele origin: germline.

Labcorp Genetics (formerly Invitae), Labcorp
Classification: Uncertain significance. Last evaluated: 2022-04-08. Review status: criteria provided, single submitter. Criteria: Invitae Variant Classification Sherloc (09022015). Collection method: clinical testing. Allele origin: germline.
Comment: This sequence change replaces valine, which is neutral and non-polar, with isoleucine, which is neutral and non-polar, at codon 288 of the CERKL protein (p.Val288Ile). This variant is not present in population databases (gnomAD no frequency). This variant has not been reported in the literature in individuals affected with CERKL-related conditions. Algorithms developed to predict the effect of missense changes on protein structure and function are either unavailable or do not agree on the potential impact of this missense change (SIFT: "Tolerated"; PolyPhen-2: "Possibly Damaging"; Align-GVGD: "Class C0"). In summary, the available evidence is currently insufficient to determine the role of this variant in disease. Therefore, it has been classified as a Variant of Uncertain Significance.

NM_201548.5(CERKL):c.784G>A (p.Val262Ile)

Gene: CERKL (CERK like autophagy regulator; minus strand). Cytogenetic location: 2q31.3.
Variant type: single nucleotide variant.
Coding change: c.784G>A on transcript NM_201548.5 (MANE Select); coding-DNA position 784, G replaced by A.
Protein change: p.Val262Ile; replaces valine 262 with isoleucine.
Molecular consequence: missense variant. On other transcripts: non-coding transcript variant (2), intron variant (2).
Genome position (GRCh38, 1-based): chr2:181,558,602, C>T on the plus strand (G>A on the coding strand, the complement: CERKL is on the minus strand). VCF-style: chr2-181558602-C-T. GRCh37 (hg19) VCF-style: chr2-182423329-C-T.
Other names: c.862G>A, p.Val288Ile (NM_001030311.3); c.*66G>A (NM_001030314.1, NM_001030315.1); c.730G>A, p.Val244Ile (NM_001160277.2); c.482-8894G>A (NM_001030312.3); c.614-8894G>A (NM_001030313.3); c.862G>A (NM_001030311.2); short protein forms V244I, V262I, V288I.
Identifiers: ClinVar variation 2121865 (VCV002121865.3), dbSNP rs1301473921, ClinGen allele CA349740227.
Genomic context (GRCh38, chr2:181,558,602, plus strand): 5'-ATGAATCTGTAGCCACTCCCTTGCCTGCTGGTATTAAGCCAAGTGGAAGCTGTGCTCTGA[C>T]AGGAGTCAGGATTCGGTCTGTTTCCATCCCAGCATTCTTCTGAGCTCTCAGAAGCAAAGC-3'
Protein context (NP_963842.1, residues 252-272): GMETDRILTP[Val262Ile]RAQLPLGLIP